The following is an entry in ClinVar:

ClinVar aggregate classification (germline): Conflicting classifications of pathogenicity. Review status: criteria provided, conflicting classifications (1 of 4 stars). 2 submissions from 2 submitters: Likely pathogenic (1); Uncertain significance (1). Last evaluated 2024-03-26.
ClinVar aggregate classification (oncogenicity): Uncertain significance (1 of 4 stars; one submission).

Conditions:
Wilson disease (WND). Also called: Wilson's disease. Identifiers: Orphanet 905, MedGen C0019202, MONDO:0010200, OMIM 277900. Disease mechanism: loss of function.
Neoplasm. Also called: tumor; Neoplasms; Neoplasm (disease). Identifiers: MedGen C0027651, MeSH D009369, MONDO:0005070, HP:0002664.

gnomAD v4.1: 2 of 1,614,206 alleles (0.00012%); highest among the groups gnomAD compares: South Asian, 0.0011%; no homozygotes.

Submissions (3):

Center for Genomic Medicine, Rigshospitalet, Copenhagen University Hospital
Classification: Uncertain significance for Neoplasm. Last evaluated: 2025-03-04. Review status: criteria provided, single submitter. Criteria: ClinGen/CGC/VICC Guidelines for Oncogenicity, 2022. Collection method: clinical testing. Allele origin: somatic. Affected: yes.

Genomic Medicine Center of Excellence, King Faisal Specialist Hospital and Research Centre
Classification: Likely pathogenic for Wilson disease. Last evaluated: 2024-03-26. Review status: criteria provided, single submitter. Criteria: ACMG Guidelines, 2015. Collection method: clinical testing. Allele origin: germline.

All of Us Research Program, National Institutes of Health
Classification: Uncertain significance for Wilson disease. Last evaluated: 2023-12-18. Review status: criteria provided, single submitter. Criteria: ACMG Guidelines, 2015. Collection method: clinical testing. Allele origin: germline. Inheritance: Autosomal recessive inheritance. Observed: 1 variant allele, 1 heterozygote.
Comment: This missense variant replaces glycine with aspartic acid at codon 85 of the ATP7B protein. Computational prediction suggests that this variant may have deleterious impact on protein structure and function (internally defined REVEL score threshold >= 0.7, PMID: 27666373). To our knowledge, functional studies have not been reported for this variant. This variant has not been reported in individuals affected with ATP7B-related disorders in the literature. This variant has not been identified in the general population by the Genome Aggregation Database (gnomAD). The available evidence is insufficient to determine the role of this variant in disease conclusively. Therefore, this variant is classified as a Variant of Uncertain Significance.

This study involves interpretation of variants in research participants for the purpose of population health screening. Participant phenotype was not available at the time of variant classification. Additional details can be found in publication PMID: 35346344, PMCID: PMC8962531

Literature cited by the submitters: PubMed 17919502 (cited by Center for Genomic Medicine, Rigshospitalet, Copenhagen University Hospital); PubMed 19937698 (cited by Center for Genomic Medicine, Rigshospitalet, Copenhagen University Hospital); PubMed 22240481 (cited by Center for Genomic Medicine, Rigshospitalet, Copenhagen University Hospital); PubMed 30702195 (cited by Center for Genomic Medicine, Rigshospitalet, Copenhagen University Hospital).

NM_000053.4(ATP7B):c.254G>A (p.Gly85Asp)

Gene: ATP7B (ATPase copper transporting beta; minus strand). Cytogenetic location: 13q14.3.
Variant type: single nucleotide variant.
Coding change: c.254G>A on transcript NM_000053.4 (MANE Select); coding-DNA position 254, G replaced by A.
Protein change: p.Gly85Asp; replaces glycine 85 with aspartic acid.
Molecular consequence: missense variant.
Genome position (GRCh38, 1-based): chr13:51,974,966, C>T on the plus strand (G>A on the coding strand, the complement: ATP7B is on the minus strand). VCF-style: chr13-51974966-C-T. GRCh37 (hg19) VCF-style: chr13-52549102-C-T.
Other names: c.254G>A, p.Gly85Asp (NM_001005918.3, NM_001243182.2, NM_001330578.2 and 30 more transcripts); c.158G>A, p.Gly53Asp (NM_001406517.1, NM_001406518.1, NM_001406530.1 and 4 more transcripts); short protein forms G53D, G85D.
Identifiers: ClinVar variation 3065530 (VCV003065530.4), dbSNP rs786204643, ClinGen allele CA388044726.